The following is an entry in ClinVar:

ClinVar aggregate classification (germline): Uncertain significance. Review status: criteria provided, multiple submitters, no conflicts (2 of 4 stars). 2 submissions from 2 submitters: Uncertain significance (2). Last evaluated 2024-07-17.

Conditions:
Hereditary cancer-predisposing syndrome. Also called: Hereditary neoplastic syndrome; Neoplastic Syndromes, Hereditary; Tumor predisposition; Hereditary Cancer Syndrome. Identifiers: Orphanet 140162, MedGen C0027672, MeSH D009386, MONDO:0015356.
Ataxia-telangiectasia syndrome (AT). Also called: LOUIS-BAR SYNDROME; Cerebello-oculocutaneous telangiectasia; Immunodeficiency with ataxia telangiectasia; AT, COMPLEMENTATION GROUP C; Ataxia-telangiectasia, complementation group D; ATAXIA-TELANGIECTASIA, COMPLEMENTATION GROUP A. Identifiers: Orphanet 100, MedGen C0004135, MONDO:0008840, OMIM 208900.

Submissions (2):

Labcorp Genetics (formerly Invitae), Labcorp
Classification: Uncertain significance for Ataxia-telangiectasia syndrome. Last evaluated: 2024-07-17. Review status: criteria provided, single submitter. Criteria: Invitae Variant Classification Sherloc (09022015). Collection method: clinical testing. Allele origin: germline.
Comment: This sequence change replaces isoleucine, which is neutral and non-polar, with valine, which is neutral and non-polar, at codon 1594 of the ATM protein (p.Ile1594Val). This variant is not present in population databases (gnomAD no frequency). This variant has not been reported in the literature in individuals affected with ATM-related conditions. ClinVar contains an entry for this variant (Variation ID: 481118). An algorithm developed to predict the effect of missense changes on protein structure and function (PolyPhen-2) suggests that this variant is likely to be tolerated. In summary, the available evidence is currently insufficient to determine the role of this variant in disease. Therefore, it has been classified as a Variant of Uncertain Significance.

Ambry Genetics
Classification: Uncertain significance for Hereditary cancer-predisposing syndrome. Last evaluated: 2016-12-16. Review status: criteria provided, single submitter. Criteria: Ambry Variant Classification Scheme 2023. Collection method: clinical testing. Allele origin: germline.
Comment: The p.I1594V variant (also known as c.4780A>G), located in coding exon 31 of the ATM gene, results from an A to G substitution at nucleotide position 4780. The isoleucine at codon 1594 is replaced by valine, an amino acid with highly similar properties. This amino acid position is highly conserved in available vertebrate species. In addition, this alteration is predicted to be tolerated by in silico analysis. Since supporting evidence is limited at this time, the clinical significance of this alteration remains unclear.

NM_000051.4(ATM):c.4780A>G (p.Ile1594Val)

Gene: ATM (ATM serine/threonine kinase; plus strand). Cytogenetic location: 11q22.3.
Variant type: single nucleotide variant.
Coding change: c.4780A>G on transcript NM_000051.4 (MANE Select); coding-DNA position 4780, A replaced by G.
Protein change: p.Ile1594Val; replaces isoleucine 1594 with valine.
Molecular consequence: missense variant.
Genome position (GRCh38, 1-based): chr11:108,294,930, A>G. VCF-style: chr11-108294930-A-G. GRCh37 (hg19) VCF-style: chr11-108165657-A-G.
Other names: c.4780A>G, p.Ile1594Val (NM_001351834.2); short protein forms I1594V.
Identifiers: ClinVar variation 481118 (VCV000481118.13), dbSNP rs1555101615, ClinGen allele CA382536124.